The following is an entry in ClinVar:

ClinVar aggregate classification (germline): Uncertain significance. Review status: criteria provided, multiple submitters, no conflicts (2 of 4 stars). 3 submissions from 3 submitters: Uncertain significance (2). 1 of the submissions does not count toward it. Last evaluated 2024-10-23.

Conditions:
Usher syndrome type 1C. Also called: USHER SYNDROME, TYPE I, ACADIAN VARIETY. Identifiers: Orphanet 231169, Orphanet 886, MedGen C1848604, MONDO:0010171, OMIM 276904.

Allele frequency attached by ClinVar (database versions not stated): TOPMed 0.00005; gnomAD 0.00007 and 0.00011; ESP Exome Variant Server 0.00023.
gnomAD v4.1: 104 of 1,613,750 alleles (0.0064%); highest among the groups gnomAD compares: South Asian, 0.019%; no homozygotes.

Submissions (3):

Blueprint Genetics
Classification: Uncertain significance. Last evaluated: 2024-10-23. Review status: criteria provided, single submitter. Criteria: ACMG Guidelines, 2015. Collection method: clinical testing. Allele origin: germline.

Labcorp Genetics (formerly Invitae), Labcorp
Classification: Uncertain significance. Last evaluated: 2022-10-17. Review status: criteria provided, single submitter. Criteria: Invitae Variant Classification Sherloc (09022015). Collection method: clinical testing. Allele origin: germline.
Comment: This sequence change replaces arginine, which is basic and polar, with glutamine, which is neutral and polar, at codon 80 of the USH1C protein (p.Arg80Gln). This variant is present in population databases (rs148597739, gnomAD 0.02%). This variant has not been reported in the literature in individuals affected with USH1C-related conditions. ClinVar contains an entry for this variant (Variation ID: 1005565). Algorithms developed to predict the effect of missense changes on protein structure and function (SIFT, PolyPhen-2, Align-GVGD) all suggest that this variant is likely to be tolerated. In summary, the available evidence is currently insufficient to determine the role of this variant in disease. Therefore, it has been classified as a Variant of Uncertain Significance.

Natera, Inc.
Classification: Uncertain significance for Usher syndrome type 1C. Last evaluated: 2020-01-24. Review status: no assertion criteria provided. Collection method: clinical testing. Allele origin: germline. Not counted in ClinVar's aggregate classification.

NM_153676.4(USH1C):c.239G>A (p.Arg80Gln)

Gene: USH1C (USH1 protein network component harmonin; minus strand). Cytogenetic location: 11p15.1.
Variant type: single nucleotide variant.
Coding change: c.239G>A on transcript NM_153676.4 (MANE Select); coding-DNA position 239, G replaced by A.
Protein change: p.Arg80Gln; replaces arginine 80 with glutamine.
Molecular consequence: missense variant. On other transcripts: non-coding transcript variant (1).
Genome position (GRCh38, 1-based): chr11:17,531,408, C>T on the plus strand (G>A on the coding strand, the complement: USH1C is on the minus strand). VCF-style: chr11-17531408-C-T. GRCh37 (hg19) VCF-style: chr11-17552955-C-T.
Other names: c.239G>A, p.Arg80Gln (NM_001297764.2, NM_005709.4); short protein forms R80Q.
Identifiers: ClinVar variation 1005565 (VCV001005565.6), dbSNP rs148597739, ClinGen allele CA5905133.
Genomic context (GRCh38, chr11:17,531,408, plus strand): 5'-CCAGGGTGATCTCTCCACCCCCTGCCTCCAGCCTGGTGGCTTCCTCTGCACCTGGAGCGC[C>T]GGGGGGTCAGCTGATCATATTCCACCTGGTGCTTCAGTGGGATCAGCGGCCGAATGGCAT-3'
Protein context (NP_710142.1, residues 70-90): HQVEYDQLTP[Arg80Gln]RSRKLKEVRL